The following is an entry in ClinVar:

NM_080680.3(COL11A2):c.4162C>A (p.Pro1388Thr)

Gene: COL11A2 (collagen type XI alpha 2 chain; minus strand). Cytogenetic location: 6p21.32.
Variant type: single nucleotide variant.
Coding change: c.4162C>A on transcript NM_080680.3 (MANE Select); coding-DNA position 4162, C replaced by A.
Protein change: p.Pro1388Thr; replaces proline 1388 with threonine.
Molecular consequence: missense variant.
Genome position (GRCh38, 1-based): chr6:33,167,278, G>T on the plus strand (C>A on the coding strand, the complement: COL11A2 is on the minus strand). VCF-style: chr6-33167278-G-T. GRCh37 (hg19) VCF-style: chr6-33135055-G-T.
Other names: c.3982C>A, p.Pro1328Thr (NM_001424108.1); c.3316C>A, p.Pro1106Thr (NM_001424109.1); c.3136C>A, p.Pro1046Thr (NM_001424110.1, NM_001424111.1); c.2116C>A, p.Pro706Thr (NM_001424112.1); c.3841C>A, p.Pro1281Thr (NM_080679.3); c.3904C>A, p.Pro1302Thr (NM_080681.3); short protein forms P1281T, P1388T, P706T, P1046T, P1106T, P1328T, P1302T.
Identifiers: ClinVar variation 3677166 (VCV003677166.2).

ClinVar aggregate classification (germline): Uncertain significance (1 of 4 stars; one submission).

gnomAD v4.1: 3 of 1,613,884 alleles (0.00019%); highest among the groups gnomAD compares: African/African-American, 0.004%; no homozygotes.

Submission:

Labcorp Genetics (formerly Invitae), Labcorp
Classification: Uncertain significance. Last evaluated: 2024-04-25. Review status: criteria provided, single submitter. Criteria: Invitae Variant Classification Sherloc (09022015). Collection method: clinical testing. Allele origin: germline.
Comment: This sequence change replaces proline, which is neutral and non-polar, with threonine, which is neutral and polar, at codon 1388 of the COL11A2 protein (p.Pro1388Thr). This variant is not present in population databases (gnomAD no frequency). This variant has not been reported in the literature in individuals affected with COL11A2-related conditions. Advanced modeling of protein sequence and biophysical properties (such as structural, functional, and spatial information, amino acid conservation, physicochemical variation, residue mobility, and thermodynamic stability) performed at Invitae indicates that this missense variant is not expected to disrupt COL11A2 protein function with a negative predictive value of 95%. In summary, the available evidence is currently insufficient to determine the role of this variant in disease. Therefore, it has been classified as a Variant of Uncertain Significance.